The following is an entry in ClinVar:

ClinVar aggregate classification (germline): Uncertain significance (1 of 4 stars; one submission).

Conditions:
Myopathy, proximal, and ophthalmoplegia (CMYO6). Also called: MYOPATHY WITH CONGENITAL JOINT CONTRACTURES, OPHTHALMOPLEGIA, AND RIMMED VACUOLES; CONGENITAL MYOPATHY 6 WITH OPHTHALMOPLEGIA; INCLUSION BODY MYOPATHY 3, AUTOSOMAL DOMINANT. Identifiers: Orphanet 363677, Orphanet 79091, MedGen C1854106, MONDO:0011577, OMIM 605637.

Allele frequency attached by ClinVar (database versions not stated): TOPMed below 0.00001.

Submission:

Labcorp Genetics (formerly Invitae), Labcorp
Classification: Uncertain significance for Myopathy, proximal, and ophthalmoplegia. Last evaluated: 2019-12-11. Review status: criteria provided, single submitter. Criteria: Invitae Variant Classification Sherloc (09022015). Collection method: clinical testing. Allele origin: germline.
Comment: This variant has not been reported in the literature in individuals with MYH2-related conditions. In summary, the available evidence is currently insufficient to determine the role of this variant in disease. Therefore, it has been classified as a Variant of Uncertain Significance. Algorithms developed to predict the effect of missense changes on protein structure and function are either unavailable or do not agree on the potential impact of this missense change (SIFT: "Deleterious"; PolyPhen-2: "Possibly Damaging"; Align-GVGD: "Class C15"). This variant is not present in population databases (ExAC no frequency). This sequence change replaces histidine with glutamine at codon 579 of the MYH2 protein (p.His579Gln). The histidine residue is highly conserved and there is a small physicochemical difference between histidine and glutamine.

NM_017534.6(MYH2):c.1737C>G (p.His579Gln)

Genes: MYHAS (myosin heavy chain gene cluster antisense RNA; plus strand), MYH2 (myosin heavy chain 2; minus strand). Cytogenetic location: 17p13.1.
Variant type: single nucleotide variant.
Coding change: c.1737C>G on transcript NM_017534.6 (MANE Select); coding-DNA position 1737, C replaced by G.
Protein change: p.His579Gln; replaces histidine 579 with glutamine.
Molecular consequence: missense variant.
Genome position (GRCh38, 1-based): chr17:10,537,393, G>C on the plus strand (C>G on the coding strand, the complement: MYH2 is on the minus strand). VCF-style: chr17-10537393-G-C. GRCh37 (hg19) VCF-style: chr17-10440710-G-C.
Other names: c.1737C>G, p.His579Gln (NM_001100112.2); short protein forms H579Q.
Identifiers: ClinVar variation 853563 (VCV000853563.7), dbSNP rs2073494382, ClinGen allele CA398155540.
Genomic context (GRCh38, chr17:10,537,393, plus strand): 5'-CTTCTCCAGCCAGCCAGTAATGTTGTAGTCCACAACACCAGCATAGTGAATCAGAGCGAA[G>C]TGGGCCTCGGCCTTGCCTTTGACCACCTTGGGCTTCTGGAAGTTGGCAGACTTGCCCAGG-3'
Protein context (NP_060004.3, residues 569-589): PKVVKGKAEA[His579Gln]FALIHYAGVV